The following is an entry in ClinVar:

NM_003849.4(SUCLG1):c.22G>C (p.Ala8Pro)

Gene: SUCLG1 (succinate-CoA ligase GDP/ADP-forming subunit alpha; minus strand). Cytogenetic location: 2p11.2.
Variant type: single nucleotide variant.
Coding change: c.22G>C on transcript NM_003849.4 (MANE Select); coding-DNA position 22, G replaced by C.
Protein change: p.Ala8Pro; replaces alanine 8 with proline.
Molecular consequence: missense variant.
Genome position (GRCh38, 1-based): chr2:84,459,248, C>G on the plus strand (G>C on the coding strand, the complement: SUCLG1 is on the minus strand). VCF-style: chr2-84459248-C-G. GRCh37 (hg19) VCF-style: chr2-84686372-C-G.
Other names: short protein forms A8P.
Identifiers: ClinVar variation 4076669 (VCV004076669.1).

ClinVar aggregate classification (germline): Uncertain significance (1 of 4 stars; one submission).

gnomAD v4.1: 11 of 1,550,646 alleles (0.00071%); highest among the groups gnomAD compares: Non-Finnish European, 0.00096%; no homozygotes.

Submission:

GeneDx
Classification: Uncertain significance. Last evaluated: 2025-02-13. Review status: criteria provided, single submitter. Criteria: GeneDx Variant Classification Process June 2021. Collection method: clinical testing. Allele origin: germline. Affected: yes.
Comment: Not observed at significant frequency in large population cohorts (gnomAD); In silico analysis indicates that this missense variant does not alter protein structure/function; Has not been previously published as pathogenic or benign to our knowledge